The following is an entry in ClinVar:

ClinVar aggregate classification (germline): Uncertain significance. Review status: criteria provided, multiple submitters, no conflicts (2 of 4 stars). 2 submissions from 2 submitters: Uncertain significance (2). Last evaluated 2024-08-07.

Conditions:
Hereditary cancer-predisposing syndrome. Also called: Neoplastic Syndromes, Hereditary; Tumor predisposition; Hereditary neoplastic syndrome; Hereditary Cancer Syndrome. Identifiers: Orphanet 140162, MedGen C0027672, MeSH D009386, MONDO:0015356.
Rhabdoid tumor predisposition syndrome 2 (RTPS2). Identifiers: Orphanet 231108, Orphanet 69077, MedGen C2750074, MONDO:0013224, OMIM 613325.

Submissions (2):

Ambry Genetics
Classification: Uncertain significance for Hereditary cancer-predisposing syndrome. Last evaluated: 2024-08-07. Review status: criteria provided, single submitter. Criteria: Ambry Variant Classification Scheme 2023. Collection method: clinical testing. Allele origin: germline.
Comment: The p.A676T variant (also known as c.2026G>A), located in coding exon 13 of the SMARCA4 gene, results from a G to A substitution at nucleotide position 2026. The alanine at codon 676 is replaced by threonine, an amino acid with similar properties. This amino acid position is conserved. In addition, this alteration is predicted to be tolerated by in silico analysis. Based on the available evidence, the clinical significance of this variant remains unclear.

Labcorp Genetics (formerly Invitae), Labcorp
Classification: Uncertain significance for Rhabdoid tumor predisposition syndrome 2. Last evaluated: 2021-05-27. Review status: criteria provided, single submitter. Criteria: Invitae Variant Classification Sherloc (09022015). Collection method: clinical testing. Allele origin: germline.
Comment: In summary, the available evidence is currently insufficient to determine the role of this variant in disease. Therefore, it has been classified as a Variant of Uncertain Significance. Algorithms developed to predict the effect of missense changes on protein structure and function are either unavailable or do not agree on the potential impact of this missense change (SIFT: "Deleterious"; PolyPhen-2: "Benign"; Align-GVGD: "Class C0"). This variant has not been reported in the literature in individuals with SMARCA4-related conditions. This variant is not present in population databases (ExAC no frequency). This sequence change replaces alanine with threonine at codon 676 of the SMARCA4 protein (p.Ala676Thr). The alanine residue is weakly conserved and there is a small physicochemical difference between alanine and threonine.

NM_003072.5(SMARCA4):c.2026G>A (p.Ala676Thr)

Gene: SMARCA4 (SWI/SNF related BAF chromatin remodeling complex subunit ATPase 4; plus strand). Cytogenetic location: 19p13.2.
Variant type: single nucleotide variant.
Coding change: c.2026G>A on transcript NM_003072.5 (MANE Select); coding-DNA position 2026, G replaced by A.
Protein change: p.Ala676Thr; replaces alanine 676 with threonine.
Molecular consequence: missense variant. On other transcripts: non-coding transcript variant (1).
Genome position (GRCh38, 1-based): chr19:11,007,926, G>A. VCF-style: chr19-11007926-G-A. GRCh37 (hg19) VCF-style: chr19-11118602-G-A.
Other names: c.2026G>A (NM_001128849.1); c.2026G>A, p.Ala676Thr (NM_001128844.3, NM_001128845.2, NM_001128846.2 and 5 more transcripts); short protein forms A676T.
Identifiers: ClinVar variation 1368184 (VCV001368184.9), dbSNP rs2146190685, ClinGen allele CA404052419.